The following is an entry in ClinVar:

ClinVar aggregate classification (germline): Likely pathogenic (1 of 4 stars; one submission).

Submission:

Labcorp Genetics (formerly Invitae), Labcorp
Classification: Likely pathogenic. Last evaluated: 2024-03-07. Review status: criteria provided, single submitter. Criteria: Invitae Variant Classification Sherloc (09022015). Collection method: clinical testing. Allele origin: germline.
Comment: This sequence change replaces leucine, which is neutral and non-polar, with phenylalanine, which is neutral and non-polar, at codon 579 of the ENPP1 protein (p.Leu579Phe). This variant is not present in population databases (gnomAD no frequency). This missense change has been observed in individual(s) with autosomal recessive generalized arterial calcification of infancy (PMID: 12881724, 33005041). In at least one individual the data is consistent with being in trans (on the opposite chromosome) from a pathogenic variant. Advanced modeling of protein sequence and biophysical properties (such as structural, functional, and spatial information, amino acid conservation, physicochemical variation, residue mobility, and thermodynamic stability) performed at Invitae indicates that this missense variant is expected to disrupt ENPP1 protein function with a positive predictive value of 80%. Experimental studies have shown that this missense change affects ENPP1 function (PMID: 12881724). In summary, the currently available evidence indicates that the variant is pathogenic, but additional data are needed to prove that conclusively. Therefore, this variant has been classified as Likely Pathogenic.

Literature cited by the submitters: PubMed 12881724; PubMed 33005041.

NM_006208.3(ENPP1):c.1737G>T (p.Leu579Phe)

Gene: ENPP1 (ectonucleotide pyrophosphatase/phosphodiesterase 1; plus strand). Cytogenetic location: 6q23.2.
Variant type: single nucleotide variant.
Coding change: c.1737G>T on transcript NM_006208.3 (MANE Select); coding-DNA position 1737, G replaced by T.
Protein change: p.Leu579Phe; replaces leucine 579 with phenylalanine.
Molecular consequence: missense variant.
Genome position (GRCh38, 1-based): chr6:131,877,005, G>T. VCF-style: chr6-131877005-G-T. GRCh37 (hg19) VCF-style: chr6-132198145-G-T.
Other names: short protein forms L579F.
Identifiers: ClinVar variation 3683346 (VCV003683346.2).